The following is an entry in ClinVar:

ClinVar aggregate classification (germline): Uncertain significance. Review status: criteria provided, multiple submitters, no conflicts (2 of 4 stars). 2 submissions from 2 submitters: Uncertain significance (2). Last evaluated 2025-08-03.

Conditions:
Cardiovascular phenotype. Identifiers: MedGen CN230736.
Dilated cardiomyopathy 1J (CMD1J). Also called: CARDIOMYOPATHY, DILATED, WITH SENSORINEURAL HEARING LOSS, AUTOSOMAL DOMINANT. Identifiers: Orphanet 217622, MedGen C1854368, MONDO:0011541, OMIM 605362.

gnomAD v4.1: 19 of 1,613,370 alleles (0.0012%); highest among the groups gnomAD compares: Non-Finnish European, 0.0016%; no homozygotes.

Submissions (2):

Ambry Genetics
Classification: Uncertain significance for Cardiovascular phenotype. Last evaluated: 2025-08-03. Review status: criteria provided, single submitter. Criteria: Ambry Variant Classification Scheme 2023. Collection method: clinical testing. Allele origin: germline.
Comment: The p.V382L variant (also known as c.1144G>C), located in coding exon 12 of the EYA4 gene, results from a G to C substitution at nucleotide position 1144. The valine at codon 382 is replaced by leucine, an amino acid with highly similar properties. This amino acid position is conserved. In addition, this alteration is predicted to be deleterious by in silico analysis. Since supporting evidence is limited at this time, the clinical significance of this alteration remains unclear.

Labcorp Genetics (formerly Invitae), Labcorp
Classification: Uncertain significance for Dilated cardiomyopathy 1J. Last evaluated: 2024-11-21. Review status: criteria provided, single submitter. Criteria: Invitae Variant Classification Sherloc (09022015). Collection method: clinical testing. Allele origin: germline.
Comment: This sequence change replaces valine, which is neutral and non-polar, with leucine, which is neutral and non-polar, at codon 382 of the EYA4 protein (p.Val382Leu). This variant is present in population databases (no rsID available, gnomAD 0.0009%). This variant has not been reported in the literature in individuals affected with EYA4-related conditions. ClinVar contains an entry for this variant (Variation ID: 2622372). Invitae Evidence Modeling of protein sequence and biophysical properties (such as structural, functional, and spatial information, amino acid conservation, physicochemical variation, residue mobility, and thermodynamic stability) indicates that this missense variant is not expected to disrupt EYA4 protein function with a negative predictive value of 80%. In summary, the available evidence is currently insufficient to determine the role of this variant in disease. Therefore, it has been classified as a Variant of Uncertain Significance.

NM_004100.5(EYA4):c.1144G>C (p.Val382Leu)

Gene: EYA4 (EYA transcriptional coactivator and phosphatase 4; plus strand). Cytogenetic location: 6q23.2.
Variant type: single nucleotide variant.
Coding change: c.1144G>C on transcript NM_004100.5 (MANE Select); coding-DNA position 1144, G replaced by C.
Protein change: p.Val382Leu; replaces valine 382 with leucine.
Molecular consequence: missense variant.
Genome position (GRCh38, 1-based): chr6:133,483,068, G>C. VCF-style: chr6-133483068-G-C. GRCh37 (hg19) VCF-style: chr6-133804206-G-C.
Other names: c.982G>C, p.Val328Leu (NM_001301012.2); c.1162G>C, p.Val388Leu (NM_001301013.2); c.1075G>C, p.Val359Leu (NM_001370458.1, NM_172103.4); c.1000G>C, p.Val334Leu (NM_001370459.1); c.1144G>C, p.Val382Leu (NM_172105.4); short protein forms V334L, V388L, V359L, V382L, V328L.
Identifiers: ClinVar variation 2622372 (VCV002622372.6), dbSNP rs767667928, ClinGen allele CA365706681.